The following is an entry in ClinVar:

NM_145068.4(TRPV3):c.1015A>G (p.Asn339Asp)

Gene: TRPV3 (transient receptor potential cation channel subfamily V member 3; minus strand). Cytogenetic location: 17p13.2.
Variant type: single nucleotide variant.
Coding change: c.1015A>G on transcript NM_145068.4 (MANE Select); coding-DNA position 1015, A replaced by G.
Protein change: p.Asn339Asp; replaces asparagine 339 with aspartic acid.
Molecular consequence: missense variant.
Genome position (GRCh38, 1-based): chr17:3,532,707, T>C on the plus strand (A>G on the coding strand, the complement: TRPV3 is on the minus strand). VCF-style: chr17-3532707-T-C. GRCh37 (hg19) VCF-style: chr17-3436001-T-C.
Other names: c.1015A>G, p.Asn339Asp (NM_001258205.2); short protein forms N339D.
Identifiers: ClinVar variation 4740718 (VCV004740718.1).

ClinVar aggregate classification (germline): Uncertain significance (1 of 4 stars; one submission).

gnomAD v4.1: 3 of 1,614,230 alleles (0.00019%); highest among the groups gnomAD compares: East Asian, 0.0022%; no homozygotes.

Submission:

Labcorp Genetics (formerly Invitae), Labcorp
Classification: Uncertain significance. Last evaluated: 2025-11-16. Review status: criteria provided, single submitter. Criteria: Invitae Variant Classification Sherloc (09022015). Collection method: clinical testing. Allele origin: germline.
Comment: This sequence change replaces asparagine, which is neutral and polar, with aspartic acid, which is acidic and polar, at codon 339 of the TRPV3 protein (p.Asn339Asp). This variant is present in population databases (no rsID available, gnomAD 0.006%). This variant has not been reported in the literature in individuals affected with TRPV3-related conditions. Invitae Evidence Modeling of protein sequence and biophysical properties (such as structural, functional, and spatial information, amino acid conservation, physicochemical variation, residue mobility, and thermodynamic stability) indicates that this missense variant is not expected to disrupt TRPV3 protein function with a negative predictive value of 95%. In summary, the available evidence is currently insufficient to determine the role of this variant in disease. Therefore, it has been classified as a Variant of Uncertain Significance.